The following is an entry in ClinVar:

ClinVar aggregate classification (germline): Uncertain significance (1 of 4 stars; one submission).

Conditions:
Cardiovascular phenotype. Identifiers: MedGen CN230736.

Submission:

Ambry Genetics
Classification: Uncertain significance for Cardiovascular phenotype. Last evaluated: 2023-09-23. Review status: criteria provided, single submitter. Criteria: Ambry Variant Classification Scheme 2023. Collection method: clinical testing. Allele origin: germline.
Comment: The p.R219G variant (also known as c.655A>G), located in coding exon 6 of the MAT2A gene, results from an A to G substitution at nucleotide position 655. The arginine at codon 219 is replaced by glycine, an amino acid with dissimilar properties. This amino acid position is conserved. In addition, this alteration is predicted to be deleterious by in silico analysis. Since supporting evidence is limited at this time, the clinical significance of this alteration remains unclear.

NM_005911.6(MAT2A):c.655A>G (p.Arg219Gly)

Genes: GGCX (gamma-glutamyl carboxylase; minus strand), MAT2A (methionine adenosyltransferase 2A; plus strand). Cytogenetic location: 2p11.2.
Variant type: single nucleotide variant.
Coding change: c.655A>G on transcript NM_005911.6 (MANE Select); coding-DNA position 655, A replaced by G.
Protein change: p.Arg219Gly; replaces arginine 219 with glycine.
Molecular consequence: missense variant.
Genome position (GRCh38, 1-based): chr2:85,542,260, A>G. VCF-style: chr2-85542260-A-G. GRCh37 (hg19) VCF-style: chr2-85769383-A-G.
Other names: short protein forms R219G.
Identifiers: ClinVar variation 3225172 (VCV003225172.1), dbSNP rs1448798577, ClinGen allele CA347477254.
Genomic context (GRCh38, chr2:85,542,260, plus strand): 5'-AGAGTCCACACAATTGTTATATCTGTTCAGCATGATGAAGAGGTTTGTCTTGATGAAATG[A>G]GGGATGCCCTAAAGGAGAAAGTCATCAAAGCAGTTGTGCCTGCGAAATACCTTGATGAGG-3'
Protein context (NP_005902.1, residues 209-229): HDEEVCLDEM[Arg219Gly]DALKEKVIKA